The following is an entry in ClinVar:

ClinVar aggregate classification (germline): Uncertain significance (1 of 4 stars; one submission).

Conditions:
Arterial tortuosity syndrome (ATORS). Identifiers: Orphanet 3342, MedGen C1859726, MONDO:0008818, OMIM 208050.

Allele frequency attached by ClinVar (database versions not stated): gnomAD 0.00001; TOPMed 0.00001.

Submission:

Labcorp Genetics (formerly Invitae), Labcorp
Classification: Uncertain significance for Arterial tortuosity syndrome. Last evaluated: 2016-08-03. Review status: criteria provided, single submitter. Criteria: Invitae Variant Classification Sherloc (09022015). Collection method: clinical testing. Allele origin: germline.
Comment: This sequence change replaces isoleucine with methionine at codon 537 of the SLC2A10 protein (p.Ile537Met). The isoleucine residue is weakly conserved and there is a small physicochemical difference between isoleucine and methionine. In summary, this variant is a novel missense change that is not predicted to affect protein function. There is no indication that it causes disease, but the available evidence is currently insufficient to prove that conclusively. Therefore, it has been classified as a Variant of Uncertain Significance. This variant is not present in population databases (ExAC no frequency) and has not been reported in the literature in individuals with a SLC2A10-related disease. Algorithms developed to predict the effect of missense changes on protein structure and function (SIFT, PolyPhen-2, Align-GVGD) all suggest that this variant is likely to be tolerated, but these predictions have not been confirmed by published functional studies.

NM_030777.4(SLC2A10):c.1611C>G (p.Ile537Met)

Gene: SLC2A10 (solute carrier family 2 member 10; plus strand). Cytogenetic location: 20q13.12.
Variant type: single nucleotide variant.
Coding change: c.1611C>G on transcript NM_030777.4 (MANE Select); coding-DNA position 1611, C replaced by G.
Protein change: p.Ile537Met; replaces isoleucine 537 with methionine.
Molecular consequence: missense variant.
Genome position (GRCh38, 1-based): chr20:46,733,819, C>G. VCF-style: chr20-46733819-C-G. GRCh37 (hg19) VCF-style: chr20-45362458-C-G.
Other names: short protein forms I537M.
Identifiers: ClinVar variation 409253 (VCV000409253.9), dbSNP rs1060502314, ClinGen allele CA16616475.